The following is an entry in ClinVar:

ClinVar aggregate classification (germline): Benign (1 of 4 stars; one submission).

Conditions:
Leukodystrophy, hypomyelinating, 7, with or without oligodontia and/or hypogonadotropic hypogonadism (HLD7). Also called: LEUKOENCEPHALOPATHY, HYPOMYELINATING, WITH ATAXIA AND DELAYED DENTITION; ATAXIA, DELAYED DENTITION, AND HYPOMYELINATION; LEUKODYSTROPHY, HYPOMYELINATING, 7, WITH OLIGODONTIA; LEUKODYSTROPHY, HYPOMYELINATING, 7, WITH OLIGODONTIA AND HYPOGONADOTROPIC HYPOGONADISM; LEUKODYSTROPHY, HYPOMYELINATING, 7, WITHOUT OLIGODONTIA OR HYPOGONADOTROPIC HYPOGONADISM; Ataxia, Delayed Dentition and Hypomyelination (ADDH). Identifiers: Orphanet 137639, Orphanet 447893, Orphanet 447896, Orphanet 77295, Orphanet 88637, MedGen CN034185, MONDO:0011897, OMIM 607694.

Allele frequency attached by ClinVar (database versions not stated): gnomAD 0.00386 and 0.00405; TOPMed 0.00419; 1000 Genomes Project 30x 0.00422; 1000 Genomes Project 0.00439.

Submission:

Illumina Laboratory Services, Illumina
Classification: Benign for Leukodystrophy, hypomyelinating, 7, with or without oligodontia and/or hypogonadotropic hypogonadism. Last evaluated: 2018-01-12. Review status: criteria provided, single submitter. Criteria: ICSL Variant Classification Criteria 13 December 2019. Collection method: clinical testing. Allele origin: germline.
Comment: This variant was observed in the ICSL laboratory as part of a predisposition screen in an ostensibly healthy population. It had not been previously curated by ICSL or reported in the Human Gene Mutation Database (HGMD: prior to June 1st, 2018), and was therefore a candidate for classification through an automated scoring system. Utilizing variant allele frequency, disease prevalence and penetrance estimates, and inheritance mode, an automated score was calculated to assess if this variant is too frequent to cause the disease. Based on the score and internal cut-off values, a variant classified as benign is not then subjected to further curation. The score for this variant resulted in a classification of benign for this disease.

NM_007055.4(POLR3A):c.*673A>G

Gene: POLR3A (RNA polymerase III subunit A; minus strand). Cytogenetic location: 10q22.3.
Variant type: single nucleotide variant.
Coding change: c.*673A>G on transcript NM_007055.4 (MANE Select); 673 bases downstream of the stop codon, A replaced by G.
Molecular consequence: 3 prime UTR variant.
Genome position (GRCh38, 1-based): chr10:77,976,805, T>C on the plus strand (A>G on the coding strand, the complement: POLR3A is on the minus strand). VCF-style: chr10-77976805-T-C. GRCh37 (hg19) VCF-style: chr10-79736563-T-C.
Identifiers: ClinVar variation 301022 (VCV000301022.5), dbSNP rs150842225, ClinGen allele CA10636553.